The following is an entry in ClinVar:

NM_000204.5(CFI):c.1392T>G (p.Asn464Lys)

Gene: CFI (complement factor I; minus strand). Cytogenetic location: 4q25.
Variant type: single nucleotide variant.
Coding change: c.1392T>G on transcript NM_000204.5 (MANE Select); coding-DNA position 1392, T replaced by G.
Protein change: p.Asn464Lys; replaces asparagine 464 with lysine.
Molecular consequence: missense variant. On other transcripts: non-coding transcript variant (2).
Genome position (GRCh38, 1-based): chr4:109,746,259, A>C on the plus strand (T>G on the coding strand, the complement: CFI is on the minus strand). VCF-style: chr4-109746259-A-C. GRCh37 (hg19) VCF-style: chr4-110667415-A-C.
Other names: c.1416T>G, p.Asn472Lys (NM_001318057.2, NM_001375278.1); c.1371T>G, p.Asn457Lys (NM_001331035.2, NM_001375280.1, NM_001375282.1); c.1392T>G, p.Asn464Lys (NM_001375279.1, NM_001375281.1); c.1335T>G, p.Asn445Lys (NM_001375283.1); c.783T>G, p.Asn261Lys (NM_001375284.1); short protein forms N261K, N445K, N464K, N472K, N457K.
Identifiers: ClinVar variation 2111996 (VCV002111996.4), dbSNP rs759927335, ClinGen allele CA3041925.

ClinVar aggregate classification (germline): Uncertain significance (1 of 4 stars; one submission).

Allele frequency attached by ClinVar (database versions not stated): ExAC 0.00001.
gnomAD v4.1: 1 of 1,614,214 alleles (0.000062%); highest among the groups gnomAD compares: East Asian, 0.0022%; no homozygotes.

Submission:

Labcorp Genetics (formerly Invitae), Labcorp
Classification: Uncertain significance. Last evaluated: 2022-03-14. Review status: criteria provided, single submitter. Criteria: Invitae Variant Classification Sherloc (09022015). Collection method: clinical testing. Allele origin: germline.
Comment: In summary, the available evidence is currently insufficient to determine the role of this variant in disease. Therefore, it has been classified as a Variant of Uncertain Significance. Advanced modeling of protein sequence and biophysical properties (such as structural, functional, and spatial information, amino acid conservation, physicochemical variation, residue mobility, and thermodynamic stability) performed at Invitae indicates that this missense variant is not expected to disrupt CFI protein function. This variant has not been reported in the literature in individuals affected with CFI-related conditions. This variant is present in population databases (rs759927335, gnomAD 0.006%). This sequence change replaces asparagine, which is neutral and polar, with lysine, which is basic and polar, at codon 464 of the CFI protein (p.Asn464Lys).